The following is an entry in ClinVar:

ClinVar aggregate classification (germline): Uncertain significance (1 of 4 stars; one submission).

Allele frequency attached by ClinVar (database versions not stated): TOPMed below 0.00001.

Submission:

Labcorp Genetics (formerly Invitae), Labcorp
Classification: Uncertain significance. Last evaluated: 2022-07-14. Review status: criteria provided, single submitter. Criteria: Invitae Variant Classification Sherloc (09022015). Collection method: clinical testing. Allele origin: germline.
Comment: This sequence change creates a premature translational stop signal (p.Arg141*) in the NFE2L1 gene. It is expected to result in an absent or disrupted protein product. However, the current clinical and genetic evidence is not sufficient to establish whether loss-of-function variants in NFE2L1 cause disease. This variant is not present in population databases (gnomAD no frequency). This variant has not been reported in the literature in individuals affected with NFE2L1-related conditions. In summary, the available evidence is currently insufficient to determine the role of this variant in disease. Therefore, it has been classified as a Variant of Uncertain Significance.

NM_003204.3(NFE2L1):c.421C>T (p.Arg141Ter)

Gene: NFE2L1 (NFE2 like bZIP transcription factor 1; plus strand). Cytogenetic location: 17q21.32.
Variant type: single nucleotide variant.
Coding change: c.421C>T on transcript NM_003204.3 (MANE Select); coding-DNA position 421, C replaced by T.
Protein change: p.Arg141Ter; replaces arginine 141 with a stop codon.
Molecular consequence: nonsense.
Genome position (GRCh38, 1-based): chr17:48,051,539, C>T. VCF-style: chr17-48051539-C-T. GRCh37 (hg19) VCF-style: chr17-46128901-C-T.
Other names: c.421C>T, p.Arg141Ter (NM_001330261.2, NM_001330262.2); short protein forms R141*.
Identifiers: ClinVar variation 2016735 (VCV002016735.4), dbSNP rs952048361, ClinGen allele CA291334061.
Genomic context (GRCh38, chr17:48,051,539, plus strand): 5'-GGCCTCGCCCTCGAGAGTTCCAGTGGCCTCCAAGATGTGACAGGCCCAGACAACGGGGTG[C>T]GAGAAAGCGAAACGGAGCAGGGATTCGGTGAAGATTTGGAGGATTTGGGGGCTGTAGCCC-3'